The following is an entry in ClinVar:

ClinVar aggregate classification (germline): Likely pathogenic (1 of 4 stars; one submission).

Conditions:
Neurofibromatosis, familial spinal (FSNF). Identifiers: Orphanet 636, MedGen C1834235, MONDO:0008078, OMIM 162210. Disease mechanism: loss of function.

Submission:

Diagnostics Services (NGS), CSIR - Centre For Cellular And Molecular Biology
Classification: Likely pathogenic for Neurofibromatosis, familial spinal. Last evaluated: 2024-01-23. Review status: criteria provided, single submitter. Criteria: ACMG Guidelines, 2015. Collection method: clinical testing. Allele origin: unknown. Affected: yes. Observed: 1 variant allele, 1 heterozygote.
Comment: The c.1873del variant is not present in publicly available population databases like 1000 Genomes, EVS, ExAC, Indian Exome Database or our in-house exome database. This variant has neither been published in literature with NF1-related conditions nor reported to the clinical databases like ClinVar, Human Gene Mutation Database (HGMD) or OMIM, in any affected individuals. In-silico pathogenicity prediction programs like MutationTaster2, CADD, Varsome, Franklin, etc predicted this variant to be likely deleterious. This variant causes frameshift at the 625th amino acid position of the wild-type transcript which creates a premature translational stop signal at the altered transcript that may either result in translation of a truncated protein or causes nonsense mediated decay of the mRNA.

NM_001042492.3(NF1):c.1873del (p.Leu625fs)

Gene: NF1 (neurofibromin 1; plus strand). Cytogenetic location: 17q11.2.
Variant type: Deletion.
Coding change: c.1873del on transcript NM_001042492.3 (MANE Select); coding-DNA position 1873, one base deleted (C; older notation c.1873delC).
Protein change: p.Leu625fs; shifts the reading frame from leucine 625.
Molecular consequence: frameshift variant.
Genome position (GRCh38, 1-based): chr17:31,225,122, C deleted. VCF-style (leftmost placement, unchanged base first): chr17-31225121-TC-T. GRCh37 (hg19) VCF-style: chr17-29552139-TC-T.
Other names: c.1873delC, p.Leu625Serfs (NM_000267.4); short protein forms L625fs.
Identifiers: ClinVar variation 2687778 (VCV002687778.1), dbSNP rs2508140575, ClinGen allele CA2697559692.